The following is an entry in ClinVar:

ClinVar aggregate classification (germline): Pathogenic. Review status: criteria provided, multiple submitters, no conflicts (2 of 4 stars). 5 submissions from 5 submitters: Pathogenic (5). Last evaluated 2025-07-01.

Conditions:
CYBB-related disorders.
Granulomatous disease, chronic, X-linked. Also called: CYTOCHROME b-NEGATIVE GRANULOMATOUS DISEASE, CHRONIC, X-LINKED; GRANULOMATOUS DISEASE, CHRONIC, X-LINKED, SOMATIC MOSAIC. Identifiers: Orphanet 379, MedGen C1844376, MONDO:0010600, OMIM 306400.

Submissions (5):

CeGaT Center for Human Genetics Tuebingen
Classification: Pathogenic. Last evaluated: 2025-07-01. Review status: criteria provided, single submitter. Criteria: CeGaT Center For Human Genetics Tuebingen Variant Classification Criteria Version 2. Collection method: clinical testing. Allele origin: germline. Affected: yes. Observed: 1 variant allele.
Comment: CYBB: PVS1, PS4, PM2

Women's Health and Genetics/Laboratory Corporation of America, LabCorp
Classification: Pathogenic for Granulomatous disease, chronic, X-linked. Last evaluated: 2024-10-21. Review status: criteria provided, single submitter. Criteria: LabCorp Variant Classification Summary - May 2015. Collection method: clinical testing. Allele origin: germline.
Comment: Variant summary: CYBB c.868C>T (p.Arg290X) results in a premature termination codon, predicted to cause a truncation of the encoded protein or absence of the protein due to nonsense mediated decay, which are commonly known mechanisms for disease. The variant was absent in 183046 control chromosomes. c.868C>T has been reported in the literature in multiple individuals affected with X-Linked Chronic Granulomatous Disease (e.g. Porter_1996, Kannengiesser_2008, Ko_2014). These data indicate that the variant is very likely to be associated with disease. At least one publication reports experimental evidence evaluating an impact on protein function (e.g. Porter_1996, Kannengiesser_2008). The most pronounced variant effect results in an absence of protein expression in cells derived from hemizygous patients with the variant. The following publications have been ascertained in the context of this evaluation (PMID: 18546332, 24999735, 8615831). ClinVar contains an entry for this variant (Variation ID: 265091). Based on the evidence outlined above, the variant was classified as pathogenic.

Labcorp Genetics (formerly Invitae), Labcorp
Classification: Pathogenic for Granulomatous disease, chronic, X-linked. Last evaluated: 2024-09-18. Review status: criteria provided, single submitter. Criteria: Invitae Variant Classification Sherloc (09022015). Collection method: clinical testing. Allele origin: germline.
Comment: This sequence change creates a premature translational stop signal (p.Arg290*) in the CYBB gene. It is expected to result in an absent or disrupted protein product. Loss-of-function variants in CYBB are known to be pathogenic (PMID: 9585602, 20729109). This variant is not present in population databases (gnomAD no frequency). This premature translational stop signal has been observed in individual(s) with chronic granulomatous disease (PMID: 18546332, 23910690, 24943880). ClinVar contains an entry for this variant (Variation ID: 265091). For these reasons, this variant has been classified as Pathogenic.

Blueprint Genetics
Classification: Pathogenic for CYBB-related disorders. Last evaluated: 2023-11-23. Review status: criteria provided, single submitter. Criteria: ACMG Guidelines, 2015. Collection method: clinical testing. Allele origin: germline. Affected: yes. Observed: 5 variant alleles.

GeneDx
Classification: Pathogenic. Last evaluated: 2022-01-18. Review status: criteria provided, single submitter. Criteria: GeneDx Variant Classification Process June 2021. Collection method: clinical testing. Allele origin: germline. Affected: yes.
Comment: Nonsense variant predicted to result in protein truncation or nonsense mediated decay in a gene for which loss-of-function is a known mechanism of disease; Not observed at significant frequency in large population cohorts (gnomAD); This variant is associated with the following publications: (PMID: 25525159, 11462241, 27465505, 24943880, 23910690, 26464403, 8070813, 24999735, 9888386, 20228266, 18546332, 26185101, 19410294, 15454837, 24081483, 24276928, 18322777, 33717137, 34175765)

Literature cited by the submitters: PubMed 8615831 (cited by Women's Health and Genetics/Laboratory Corporation of America, LabCorp); PubMed 18546332 (cited by Women's Health and Genetics/Laboratory Corporation of America, LabCorp and Labcorp Genetics (formerly Invitae), Labcorp); PubMed 24999735 (cited by Women's Health and Genetics/Laboratory Corporation of America, LabCorp); PubMed 9585602 (cited by Labcorp Genetics (formerly Invitae), Labcorp); PubMed 20729109 (cited by Labcorp Genetics (formerly Invitae), Labcorp); PubMed 23910690 (cited by Labcorp Genetics (formerly Invitae), Labcorp); PubMed 24943880 (cited by Labcorp Genetics (formerly Invitae), Labcorp).

NM_000397.4(CYBB):c.868C>T (p.Arg290Ter)

Gene: CYBB (cytochrome b-245 beta chain; plus strand). Cytogenetic location: Xp11.4.
Variant type: single nucleotide variant.
Coding change: c.868C>T on transcript NM_000397.4 (MANE Select); coding-DNA position 868, C replaced by T.
Protein change: p.Arg290Ter; replaces arginine 290 with a stop codon.
Molecular consequence: nonsense.
Genome position (GRCh38, 1-based): chrX:37,801,319, C>T. VCF-style: chrX-37801319-C-T. GRCh37 (hg19) VCF-style: chrX-37660572-C-T.
Other names: short protein forms R290*.
Identifiers: ClinVar variation 265091 (VCV000265091.24), dbSNP rs886039337, ClinGen allele CA10588776.